The following is an entry in ClinVar:

NM_199242.3(UNC13D):c.787del (p.Leu263fs)

Gene: UNC13D (unc-13 homolog D; minus strand). Cytogenetic location: 17q25.1.
Variant type: Deletion.
Coding change: c.787del on transcript NM_199242.3 (MANE Select); coding-DNA position 787, one base deleted (C; older notation c.787delC).
Protein change: p.Leu263fs; shifts the reading frame from leucine 263.
Molecular consequence: frameshift variant.
Genome position (GRCh38, 1-based): chr17:75,840,296, G deleted on the plus strand (C on the coding strand, the reverse complement: UNC13D is on the minus strand); the first of 5 consecutive G bases (chr17:75,840,296-75,840,300); deleting any one gives the same sequence. VCF-style (leftmost placement, unchanged base first): chr17-75840295-AG-A. GRCh37 (hg19) VCF-style: chr17-73836376-AG-A.
Other names: short protein forms L263fs.
Identifiers: ClinVar variation 3632056 (VCV003632056.2).

ClinVar aggregate classification (germline): Pathogenic (1 of 4 stars; one submission).

Conditions:
Familial hemophagocytic lymphohistiocytosis 3 (FHL3). Also called: UNC13D-Related Familial Hemophagocytic Lymphohistiocytosis (UNC13D-fHLH). Identifiers: Orphanet 540, MedGen C1837174, MONDO:0012146, OMIM 608898.

Submission:

Labcorp Genetics (formerly Invitae), Labcorp
Classification: Pathogenic for Familial hemophagocytic lymphohistiocytosis 3. Last evaluated: 2024-06-03. Review status: criteria provided, single submitter. Criteria: Invitae Variant Classification Sherloc (09022015). Collection method: clinical testing. Allele origin: germline.
Comment: This sequence change creates a premature translational stop signal (p.Leu263Trpfs*65) in the UNC13D gene. It is expected to result in an absent or disrupted protein product. Loss-of-function variants in UNC13D are known to be pathogenic (PMID: 14622600). This variant is not present in population databases (gnomAD no frequency). This variant has not been reported in the literature in individuals affected with UNC13D-related conditions. For these reasons, this variant has been classified as Pathogenic.

Literature cited by the submitters: PubMed 14622600.